The following is an entry in ClinVar:

NM_002878.4(RAD51D):c.57dup (p.Leu20fs)

Genes: RAD51D (RAD51 paralog D; minus strand), RAD51L3-RFFL (RAD51L3-RFFL readthrough; minus strand). Cytogenetic location: 17q12.
Variant type: Duplication.
Coding change: c.57dup on transcript NM_002878.4 (MANE Select); coding-DNA position 57, one base duplicated (T; older notation c.57dupT).
Protein change: p.Leu20fs; shifts the reading frame from leucine 20.
Molecular consequence: frameshift variant. On other transcripts: non-coding transcript variant (2).
Genome position (GRCh38, 1-based): chr17:35,119,557, A duplicated on the plus strand (T on the coding strand, the reverse complement: RAD51D is on the minus strand); the first of 2 consecutive A bases (chr17:35,119,557-35,119,558); duplicating either gives the same sequence. VCF-style (leftmost placement, unchanged base first): chr17-35119556-G-GA. GRCh37 (hg19) VCF-style: chr17-33446575-G-GA.
Other names: c.57dup, p.Leu20fs (NM_001142571.2, NM_133629.3); c.57dupT (NM_002878.3); short protein forms L20fs.
Identifiers: ClinVar variation 1749751 (VCV001749751.2), dbSNP rs2509188866, ClinGen allele CA2580093637.
Genomic context (GRCh38, chr17:35,119,556, plus strand): 5'-CCCGCGCGGCTCCCTGGCACGCGCACACCCGGTCACCTGTCTTGATCCTGTGGCTCCTGA[G>GA]AAGCTGGATCATCTCCTCGGTAAGGCCAGGGCACAGTCCGACCCTGAGCACGCCCATGTT-3'

ClinVar aggregate classification (germline): Pathogenic (1 of 4 stars; one submission).

Conditions:
Hereditary cancer-predisposing syndrome. Also called: Hereditary Cancer Syndrome; Hereditary neoplastic syndrome; Neoplastic Syndromes, Hereditary; Tumor predisposition. Identifiers: Orphanet 140162, MedGen C0027672, MeSH D009386, MONDO:0015356.

Submission:

Ambry Genetics
Classification: Pathogenic for Hereditary cancer-predisposing syndrome. Last evaluated: 2022-07-14. Review status: criteria provided, single submitter. Criteria: Ambry Variant Classification Scheme 2023. Collection method: clinical testing. Allele origin: germline.
Comment: The c.57dupT pathogenic mutation, located in coding exon 1 of the RAD51D gene, results from a duplication of T at nucleotide position 57, causing a translational frameshift with a predicted alternate stop codon (p.L20Sfs*51). This variant is considered to be rare based on population cohorts in the Genome Aggregation Database (gnomAD). This alteration is expected to result in loss of function by premature protein truncation or nonsense-mediated mRNA decay. As such, this alteration is interpreted as a disease-causing mutation.